The following is an entry in ClinVar:

ClinVar aggregate classification (germline): Likely benign (0 of 4 stars; one submission).

Conditions:
CPE-related disorder. Also called: CPE-related condition.

Allele frequency attached by ClinVar (database versions not stated): ExAC 0.00002; gnomAD 0.00002; TOPMed 0.00002.

Submission:

PreventionGenetics, part of Exact Sciences
Classification: Likely benign for CPE-related condition. Last evaluated: 2023-05-10. Review status: no assertion criteria provided. Collection method: clinical testing. Allele origin: germline.
Comment: This variant is classified as likely benign based on ACMG/AMP sequence variant interpretation guidelines (Richards et al. 2015 PMID: 25741868, with internal and published modifications).

NM_001873.4(CPE):c.277C>T (p.Leu93=)

Gene: CPE (carboxypeptidase E; plus strand). Cytogenetic location: 4q32.3.
Variant type: single nucleotide variant.
Coding change: c.277C>T on transcript NM_001873.4 (MANE Select); coding-DNA position 277, C replaced by T.
Protein change: p.Leu93=; no amino-acid change (leucine 93 retained).
Molecular consequence: synonymous variant.
Genome position (GRCh38, 1-based): chr4:165,379,498, C>T. VCF-style: chr4-165379498-C-T. GRCh37 (hg19) VCF-style: chr4-166300650-C-T.
Identifiers: ClinVar variation 3032802 (VCV003032802.2), dbSNP rs747677877, ClinGen allele CA3130098.